The following is an entry in ClinVar:

ClinVar aggregate classification (germline): Conflicting classifications of pathogenicity. Review status: criteria provided, conflicting classifications (1 of 4 stars). 3 submissions from 3 submitters: Uncertain significance (2); Benign (1). Last evaluated 2025-01-05.

Conditions:
O'Donnell-Luria-Rodan syndrome (ODLURO). Also called: KMT2E-Related Neurodevelopmental Disorder. Identifiers: MedGen C5193138, MONDO:0032793, OMIM 618512.

Allele frequency attached by ClinVar (database versions not stated): gnomAD exomes 0.00001.
gnomAD v4.1: 11 of 1,613,910 alleles (0.00068%); highest among the groups gnomAD compares: Non-Finnish European, 0.00085%; no homozygotes.

Submissions (3):

Labcorp Genetics (formerly Invitae), Labcorp
Classification: Benign. Last evaluated: 2025-01-05. Review status: criteria provided, single submitter. Criteria: Invitae Variant Classification Sherloc (09022015). Collection method: clinical testing. Allele origin: germline.

Blueprint Genetics
Classification: Uncertain significance. Last evaluated: 2024-02-28. Review status: criteria provided, single submitter. Criteria: ACMG Guidelines, 2015. Collection method: clinical testing. Allele origin: germline.

Molecular Genetics, Royal Melbourne Hospital
Classification: Uncertain significance for O'Donnell-Luria-Rodan syndrome. Last evaluated: 2021-02-26. Review status: criteria provided, single submitter. Criteria: ACMG Guidelines, 2015. Collection method: clinical testing. Allele origin: germline.
Comment: This sequence change falls in intron 25 of KMT2E. The variant is absent in a large population cohort (gnomAD v2.1 and v3.1), and has not been reported in the relevant medical literature or databases. The nucleotide is not conserved (100 vertebrates, UCSC), and multiple lines of computational evidence have conflicting predictions of de novo donor site activation 12 bp downstream of the native exon 25 donor site (SpliceAI, MaxEntScan, NNSplice). Based on the classification scheme RMH Modified ACMG Guidelines v1.3.1, this variant is classified as a VARIANT OF UUNCERTAIN SIGNIFICANCE. Following criteria are met: PM2_Supporting.

NM_182931.3(KMT2E):c.3970+13A>G

Gene: KMT2E (lysine methyltransferase 2E (inactive); plus strand). Cytogenetic location: 7q22.3.
Variant type: single nucleotide variant.
Coding change: c.3970+13A>G on transcript NM_182931.3 (MANE Select); 13 bases into the intron after coding-DNA position 3970, A replaced by G.
Molecular consequence: intron variant.
Genome position (GRCh38, 1-based): chr7:105,110,615, A>G. VCF-style: chr7-105110615-A-G. GRCh37 (hg19) VCF-style: chr7-104751062-A-G.
Other names: c.3970+13A>G (NM_018682.4).
Identifiers: ClinVar variation 1678588 (VCV001678588.6), dbSNP rs2129570095, ClinGen allele CA1139768710.